The following is an entry in ClinVar:

NM_002476.2(MYL4):c.98C>T (p.Ala33Val)

Gene: MYL4 (myosin light chain 4; plus strand). Cytogenetic location: 17q21.32.
Variant type: single nucleotide variant.
Coding change: c.98C>T on transcript NM_002476.2 (MANE Select); coding-DNA position 98, C replaced by T.
Protein change: p.Ala33Val; replaces alanine 33 with valine.
Molecular consequence: missense variant.
Genome position (GRCh38, 1-based): chr17:47,209,520, C>T. VCF-style: chr17-47209520-C-T. GRCh37 (hg19) VCF-style: chr17-45286886-C-T.
Other names: c.98C>T, p.Ala33Val (NM_001002841.2); short protein forms A33V.
Identifiers: ClinVar variation 4692686 (VCV004692686.1).
Genomic context (GRCh38, chr17:47,209,520, plus strand): 5'-CCAAGCCAGCTCCAGCTCCAGCTCCAGCCCCTGCACCAGCCCCTGCCCCAGCTCCTGAGG[C>T]TCCCAAGGAACCTGCCTTTGACCCCAAGAGTGTAAAGGTAAGTGAGGCTCAGCCATTGGG-3'
Protein context (NP_002467.1, residues 23-43): PAPAPAPAPE[Ala33Val]PKEPAFDPKS

ClinVar aggregate classification (germline): Uncertain significance (1 of 4 stars; one submission).

Conditions:
Atrial fibrillation, familial, 18 (ATFB18). Identifiers: MedGen C4310636, MONDO:0015001, OMIM 617280.

Submission:

Labcorp Genetics (formerly Invitae), Labcorp
Classification: Uncertain significance for Atrial fibrillation, familial, 18. Last evaluated: 2025-07-22. Review status: criteria provided, single submitter. Criteria: Invitae Variant Classification Sherloc (09022015). Collection method: clinical testing. Allele origin: germline.
Comment: This sequence change replaces alanine, which is neutral and non-polar, with valine, which is neutral and non-polar, at codon 33 of the MYL4 protein (p.Ala33Val). This variant is not present in population databases (gnomAD no frequency). This variant has not been reported in the literature in individuals affected with MYL4-related conditions. Experimental studies and prediction algorithms are not available or were not evaluated, and the functional significance of this variant is currently unknown. In summary, the available evidence is currently insufficient to determine the role of this variant in disease. Therefore, it has been classified as a Variant of Uncertain Significance.